The following is an entry in ClinVar:

NM_007357.3(COG2):c.1504A>C (p.Thr502Pro)

Gene: COG2 (component of oligomeric golgi complex 2; plus strand). Cytogenetic location: 1q42.2.
Variant type: single nucleotide variant.
Coding change: c.1504A>C on transcript NM_007357.3 (MANE Select); coding-DNA position 1504, A replaced by C.
Protein change: p.Thr502Pro; replaces threonine 502 with proline.
Molecular consequence: missense variant.
Genome position (GRCh38, 1-based): chr1:230,687,058, A>C. VCF-style: chr1-230687058-A-C. GRCh37 (hg19) VCF-style: chr1-230822804-A-C.
Other names: c.1504A>C, p.Thr502Pro (NM_001145036.2); short protein forms T502P.
Identifiers: ClinVar variation 4004825 (VCV004004825.2).

ClinVar aggregate classification (germline): Uncertain significance. Review status: criteria provided, multiple submitters, no conflicts (2 of 4 stars). 2 submissions from 2 submitters: Uncertain significance (2). Last evaluated 2025-09-06.

Conditions:
Congenital disorder of glycosylation, type IIq. Also called: CDG IIq. Identifiers: Orphanet 435934, MedGen C4479353, MONDO:0054559, OMIM 617395.

gnomAD v4.1: 11 of 1,613,140 alleles (0.00068%); highest among the groups gnomAD compares: African/African-American, 0.004%; no homozygotes.

Submissions (2):

Labcorp Genetics (formerly Invitae), Labcorp
Classification: Uncertain significance for Congenital disorder of glycosylation, type IIq. Last evaluated: 2025-09-06. Review status: criteria provided, single submitter. Criteria: Invitae Variant Classification Sherloc (09022015). Collection method: clinical testing. Allele origin: germline.
Comment: This sequence change replaces threonine, which is neutral and polar, with proline, which is neutral and non-polar, at codon 502 of the COG2 protein (p.Thr502Pro). This variant is present in population databases (rs774996945, gnomAD 0.007%). This variant has not been reported in the literature in individuals affected with COG2-related conditions. ClinVar contains an entry for this variant (Variation ID: 4004825). Invitae Evidence Modeling of protein sequence and biophysical properties (such as structural, functional, and spatial information, amino acid conservation, physicochemical variation, residue mobility, and thermodynamic stability) indicates that this missense variant is not expected to disrupt COG2 protein function with a negative predictive value of 80%. In summary, the available evidence is currently insufficient to determine the role of this variant in disease. Therefore, it has been classified as a Variant of Uncertain Significance.

Ambry Genetics
Classification: Uncertain significance. Last evaluated: 2025-05-16. Review status: criteria provided, single submitter. Criteria: Ambry Variant Classification Scheme 2023. Collection method: clinical testing. Allele origin: germline.